The following is an entry in ClinVar:

NM_207421.4(PADI6):c.554-4C>T

Genes: PADI6 (peptidyl arginine deiminase 6; plus strand), LOC126805634 (CDK7 strongly-dependent group 2 enhancer GRCh37_chr1:17707761-17708960; plus strand). Cytogenetic location: 1p36.13.
Variant type: single nucleotide variant.
Coding change: c.554-4C>T on transcript NM_207421.4 (MANE Select); 4 bases into the intron before coding-DNA position 554, C replaced by T.
Molecular consequence: intron variant.
Genome position (GRCh38, 1-based): chr1:17,381,963, C>T. VCF-style: chr1-17381963-C-T. GRCh37 (hg19) VCF-style: chr1-17708458-C-T.
Identifiers: ClinVar variation 4885211 (VCV004885211.2).

ClinVar aggregate classification (germline): Uncertain significance (1 of 4 stars; one submission).

gnomAD v4.1: 5 of 1,613,600 alleles (0.00031%); highest among the groups gnomAD compares: Admixed American, 0.0033%; no homozygotes.

Submission:

Dasa
Classification: Uncertain significance. Last evaluated: 2025-10-18. Review status: criteria provided, single submitter. Criteria: DASA Assertion Criteria. Collection method: clinical testing. Allele origin: germline.
Comment: NM_207421.4(PADI6):c.554-4C>T is a splice-region variant. This variant is rare in population databases. Computational prediction algorithms are consistent with a benign effect. The currently available literature and clinical evidence are not sufficient to establish a definitive association between this variant and the reported condition. Therefore, this variant is classified as a variant of uncertain significance.